The following is an entry in ClinVar:

NM_000718.4(CACNA1B):c.4916G>A (p.Arg1639Gln)

Gene: CACNA1B (calcium voltage-gated channel subunit alpha1 B; plus strand). Cytogenetic location: 9q34.3.
Variant type: single nucleotide variant.
Coding change: c.4916G>A on transcript NM_000718.4 (MANE Select); coding-DNA position 4916, G replaced by A.
Protein change: p.Arg1639Gln; replaces arginine 1639 with glutamine.
Molecular consequence: missense variant.
Genome position (GRCh38, 1-based): chr9:138,075,877, G>A. VCF-style: chr9-138075877-G-A. GRCh37 (hg19) VCF-style: chr9-140970329-G-A.
Other names: c.4916G>A, p.Arg1639Gln (NM_001243812.2); short protein forms R1639Q.
Identifiers: ClinVar variation 1967643 (VCV001967643.2), dbSNP rs373622271, ClinGen allele CA5377185.

ClinVar aggregate classification (germline): Uncertain significance (1 of 4 stars; one submission).

Allele frequency attached by ClinVar (database versions not stated): gnomAD exomes below 0.00001; gnomAD 0.00001; TOPMed 0.00001; ExAC 0.00002; ESP Exome Variant Server 0.00008.
gnomAD v4.1: 6 of 1,612,442 alleles (0.00037%); highest among the groups gnomAD compares: African/African-American, 0.0027%; no homozygotes.

Submission:

Labcorp Genetics (formerly Invitae), Labcorp
Classification: Uncertain significance. Last evaluated: 2022-05-29. Review status: criteria provided, single submitter. Criteria: Invitae Variant Classification Sherloc (09022015). Collection method: clinical testing. Allele origin: germline.
Comment: This sequence change replaces arginine, which is basic and polar, with glutamine, which is neutral and polar, at codon 1639 of the CACNA1B protein (p.Arg1639Gln). This variant is present in population databases (rs373622271, gnomAD 0.002%). This variant has not been reported in the literature in individuals affected with CACNA1B-related conditions. Advanced modeling of protein sequence and biophysical properties (such as structural, functional, and spatial information, amino acid conservation, physicochemical variation, residue mobility, and thermodynamic stability) performed at Invitae indicates that this missense variant is not expected to disrupt CACNA1B protein function. In summary, the available evidence is currently insufficient to determine the role of this variant in disease. Therefore, it has been classified as a Variant of Uncertain Significance.